The following is an entry in ClinVar:

ClinVar aggregate classification (germline): Pathogenic (1 of 4 stars; one submission).

Submission:

Labcorp Genetics (formerly Invitae), Labcorp
Classification: Pathogenic. Last evaluated: 2021-03-24. Review status: criteria provided, single submitter. Criteria: Invitae Variant Classification Sherloc (09022015). Collection method: clinical testing. Allele origin: germline.
Comment: For these reasons, this variant has been classified as Pathogenic. This variant has not been reported in the literature in individuals with RUSC2-related conditions. This variant is not present in population databases (ExAC no frequency). This sequence change creates a premature translational stop signal (p.Glu806Argfs*40) in the RUSC2 gene. It is expected to result in an absent or disrupted protein product. Loss-of-function variants in RUSC2 are known to be pathogenic (PMID: 27612186).

Literature cited by the submitters: PubMed 27612186.

NM_014806.5(RUSC2):c.2414dup (p.Glu806fs)

Gene: RUSC2 (RUN and SH3 domain containing 2; plus strand). Cytogenetic location: 9p13.3.
Variant type: Duplication.
Coding change: c.2414dup on transcript NM_014806.5 (MANE Select); coding-DNA position 2414, one base duplicated (C; older notation c.2414dupC).
Protein change: p.Glu806fs; shifts the reading frame from glutamic acid 806.
Molecular consequence: frameshift variant. On other transcripts: 5 prime UTR variant (1), non-coding transcript variant (1).
Genome position (GRCh38, 1-based): chr9:35,555,459, C duplicated; the last of 5 consecutive C bases (chr9:35,555,455-35,555,459); duplicating any one gives the same sequence. VCF-style (leftmost placement, unchanged base first): chr9-35555454-T-TC. GRCh37 (hg19) VCF-style: chr9-35555451-T-TC.
Other names: c.2414dup, p.Glu806fs (NM_001135999.2); c.-221dup (NM_001330740.2); short protein forms E806fs.
Identifiers: ClinVar variation 1408161 (VCV001408161.7), dbSNP rs2131695601, ClinGen allele CA2573144530.